The following is an entry in ClinVar:

ClinVar aggregate classification (germline): Uncertain significance (1 of 4 stars; one submission).

Submission:

CeGaT Center for Human Genetics Tuebingen
Classification: Uncertain significance. Last evaluated: 2026-08-01. Review status: criteria provided, single submitter. Criteria: CeGaT Center For Human Genetics Tuebingen Variant Classification Criteria Version 2. Collection method: clinical testing. Allele origin: germline. Affected: yes. Observed: 1 variant allele.
Comment: BMS1: PM2, PP3

NM_014753.4(BMS1):c.901+3A>G

Gene: BMS1 (BMS1 ribosome biogenesis factor; plus strand). Cytogenetic location: 10q11.21.
Variant type: single nucleotide variant.
Coding change: c.901+3A>G on transcript NM_014753.4 (MANE Select); 3 bases into the intron after coding-DNA position 901, A replaced by G.
Molecular consequence: intron variant.
Genome position (GRCh38, 1-based): chr10:42,792,617, A>G. VCF-style: chr10-42792617-A-G. GRCh37 (hg19) VCF-style: chr10-43288065-A-G.
Identifiers: ClinVar variation 5040608 (VCV005040608.1).
Genomic context (GRCh38, chr10:42,792,617, plus strand): 5'-CTTTATGGTTATTTAAGAGGAGCACACTTGAAAAATAAAAGCCAAATTCACATGCCAGGT[A>G]TTCTCTTGTTGTAGAACATACTAGAATTACACATAGGATTCTTGGGATGGCTTCATTTCT-3'